The following is an entry in ClinVar:

NM_005876.5(SPEG):c.3019C>T (p.Leu1007=)

Gene: SPEG (striated muscle enriched protein kinase; plus strand). Cytogenetic location: 2q35.
Variant type: single nucleotide variant.
Coding change: c.3019C>T on transcript NM_005876.5 (MANE Select); coding-DNA position 3019, C replaced by T.
Protein change: p.Leu1007=; no amino-acid change (leucine 1007 retained).
Molecular consequence: synonymous variant.
Genome position (GRCh38, 1-based): chr2:219,467,311, C>T. VCF-style: chr2-219467311-C-T. GRCh37 (hg19) VCF-style: chr2-220332033-C-T.
Identifiers: ClinVar variation 3029515 (VCV003029515.2), dbSNP rs2545757836, ClinGen allele CA431429263.

ClinVar aggregate classification (germline): Likely benign (0 of 4 stars; one submission).

Conditions:
SPEG-related disorder. Also called: SPEG-related condition.

Allele frequency attached by ClinVar (database versions not stated): gnomAD exomes 0.00001.
gnomAD v4.1: 11 of 1,611,152 alleles (0.00068%); highest among the groups gnomAD compares: East Asian, 0.0022%; no homozygotes.

Submission:

PreventionGenetics, part of Exact Sciences
Classification: Likely benign for SPEG-related condition. Last evaluated: 2022-01-31. Review status: no assertion criteria provided. Collection method: clinical testing. Allele origin: germline.
Comment: This variant is classified as likely benign based on ACMG/AMP sequence variant interpretation guidelines (Richards et al. 2015 PMID: 25741868, with internal and published modifications).